The following is an entry in ClinVar:

NM_173354.5(SIK1):c.1051G>T (p.Ala351Ser)

Gene: SIK1 (salt inducible kinase 1; minus strand). Cytogenetic location: 21q22.3.
Variant type: single nucleotide variant.
Coding change: c.1051G>T on transcript NM_173354.5 (MANE Select); coding-DNA position 1051, G replaced by T.
Protein change: p.Ala351Ser; replaces alanine 351 with serine.
Molecular consequence: missense variant.
Genome position (GRCh38, 1-based): chr21:43,419,927, C>A on the plus strand (G>T on the coding strand, the complement: SIK1 is on the minus strand). VCF-style: chr21-43419927-C-A. GRCh37 (hg19) VCF-style: chr21-44839807-C-A.
Other names: short protein forms A351S.
Identifiers: ClinVar variation 1912698 (VCV001912698.5), dbSNP rs755828031, ClinGen allele CA321326524.

ClinVar aggregate classification (germline): Uncertain significance (1 of 4 stars; one submission).

Conditions:
Developmental and epileptic encephalopathy, 30 (DEE30). Also called: Epileptic encephalopathy, early infantile, 30. Identifiers: MedGen C4225360, MONDO:0014595, OMIM 616341.

Allele frequency attached by ClinVar (database versions not stated): ExAC 0.00003.

Submission:

Labcorp Genetics (formerly Invitae), Labcorp
Classification: Uncertain significance for Developmental and epileptic encephalopathy, 30. Last evaluated: 2024-09-21. Review status: criteria provided, single submitter. Criteria: Invitae Variant Classification Sherloc (09022015). Collection method: clinical testing. Allele origin: germline.
Comment: This sequence change replaces alanine, which is neutral and non-polar, with serine, which is neutral and polar, at codon 351 of the SIK1 protein (p.Ala351Ser). The frequency data for this variant in the population databases is considered unreliable, as metrics indicate poor data quality at this position in the gnomAD database. This variant has not been reported in the literature in individuals affected with SIK1-related conditions. ClinVar contains an entry for this variant (Variation ID: 1912698). Invitae Evidence Modeling of protein sequence and biophysical properties (such as structural, functional, and spatial information, amino acid conservation, physicochemical variation, residue mobility, and thermodynamic stability) indicates that this missense variant is not expected to disrupt SIK1 protein function with a negative predictive value of 95%. In summary, the available evidence is currently insufficient to determine the role of this variant in disease. Therefore, it has been classified as a Variant of Uncertain Significance.